The following is an entry in ClinVar:

ClinVar aggregate classification (germline): Uncertain significance (1 of 4 stars; one submission).

Conditions:
Gingival disorder. Also called: Gingival disease. Identifiers: MedGen C0017563, MONDO:0002021.

Submission:

Labcorp Genetics (formerly Invitae), Labcorp
Classification: Uncertain significance for Gingival disorder. Last evaluated: 2023-08-04. Review status: criteria provided, single submitter. Criteria: Invitae Variant Classification Sherloc (09022015). Collection method: clinical testing. Allele origin: germline.
Comment: This sequence change replaces lysine, which is basic and polar, with glutamine, which is neutral and polar, at codon 277 of the FPR1 protein (p.Lys277Gln). This variant is not present in population databases (gnomAD no frequency). This variant has not been reported in the literature in individuals affected with FPR1-related conditions. Algorithms developed to predict the effect of missense changes on protein structure and function output the following: SIFT: "Not Available"; PolyPhen-2: "Benign"; Align-GVGD: "Not Available". The glutamine amino acid residue is found in multiple mammalian species, which suggests that this missense change does not adversely affect protein function. In summary, the available evidence is currently insufficient to determine the role of this variant in disease. Therefore, it has been classified as a Variant of Uncertain Significance.

NM_002029.4(FPR1):c.829A>C (p.Lys277Gln)

Gene: FPR1 (formyl peptide receptor 1; minus strand). Cytogenetic location: 19q13.41.
Variant type: single nucleotide variant.
Coding change: c.829A>C on transcript NM_002029.4 (MANE Select); coding-DNA position 829, A replaced by C.
Protein change: p.Lys277Gln; replaces lysine 277 with glutamine.
Molecular consequence: missense variant.
Genome position (GRCh38, 1-based): chr19:51,746,166, T>G on the plus strand (A>C on the coding strand, the complement: FPR1 is on the minus strand). VCF-style: chr19-51746166-T-G. GRCh37 (hg19) VCF-style: chr19-52249419-T-G.
Other names: c.829A>C, p.Lys277Gln (NM_001193306.2); short protein forms K277Q.
Identifiers: ClinVar variation 2859305 (VCV002859305.3), dbSNP rs2513919529, ClinGen allele CA407116325.